The following is an entry in ClinVar:

ClinVar aggregate classification (germline): Uncertain significance. Review status: criteria provided, multiple submitters, no conflicts (2 of 4 stars). 2 submissions from 2 submitters: Uncertain significance (2). Last evaluated 2026-01-23.

Conditions:
IKZF2-related condition.

gnomAD v4.1: 8 of 1,613,880 alleles (0.0005%); highest among the groups gnomAD compares: African/African-American, 0.011%; no homozygotes.

Submissions (2):

Women's Health and Genetics/Laboratory Corporation of America, LabCorp
Classification: Uncertain significance. Last evaluated: 2026-01-23. Review status: criteria provided, single submitter. Criteria: LabCorp Variant Classification Summary - May 2015. Collection method: clinical testing. Allele origin: germline.

PreventionGenetics, part of Exact Sciences
Classification: Uncertain significance for IKZF2-related condition. Last evaluated: 2025-03-14. Review status: criteria provided, single submitter. Criteria: ACMG Guidelines, 2015. Collection method: clinical testing. Allele origin: germline.
Comment: The IKZF2 c.96C>G variant is predicted to result in the amino acid substitution p.Ser32Arg. To our knowledge, this variant has not been reported in the literature. This variant is reported in 0.012% of alleles in individuals of African descent in gnomAD. At this time, the clinical significance of this variant is uncertain due to the absence of conclusive functional and genetic evidence.

NM_001387220.1(IKZF2):c.96C>G (p.Ser32Arg)

Gene: IKZF2 (IKAROS family zinc finger 2; minus strand). Cytogenetic location: 2q34.
Variant type: single nucleotide variant.
Coding change: c.96C>G on transcript NM_001387220.1 (MANE Select); coding-DNA position 96, C replaced by G.
Protein change: p.Ser32Arg; replaces serine 32 with arginine.
Molecular consequence: missense variant.
Genome position (GRCh38, 1-based): chr2:213,147,751, G>C on the plus strand (C>G on the coding strand, the complement: IKZF2 is on the minus strand). VCF-style: chr2-213147751-G-C. GRCh37 (hg19) VCF-style: chr2-214012475-G-C.
Other names: c.96C>G, p.Ser32Arg (NM_001371277.1, NM_016260.3, NM_001079526.2 and 3 more transcripts); c.96C>G (NM_016260.2); short protein forms S32R.
Identifiers: ClinVar variation 4688963 (VCV004688963.2).
Genomic context (GRCh38, chr2:213,147,751, plus strand): 5'-ATAAAATGAAGACTTACTGCTTGTCATGTGACTTGGTGAGGCATGCTGTCCATTGGGTGT[G>C]CTTGAGGTGAGGTCAATTGCCATATTGGAGTGCTCCCTTTCGGGTGAAAGCTCATTGTCA-3'
Protein context (NP_001374149.1, residues 22-42): HSNMAIDLTS[Ser32Arg]TPNGQHASPS